The following is an entry in ClinVar:

ClinVar aggregate classification (germline): Likely benign (1 of 4 stars; one submission).

Submission:

CeGaT Center for Human Genetics Tuebingen
Classification: Likely benign. Last evaluated: 2026-04-01. Review status: criteria provided, single submitter. Criteria: CeGaT Center For Human Genetics Tuebingen Variant Classification Criteria Version 2. Collection method: clinical testing. Allele origin: germline. Affected: yes. Observed: 1 variant allele.
Comment: ASXL2: PM2:Supporting, BP4, BP7

NM_018263.6(ASXL2):c.2022T>G (p.Ala674=)

Gene: ASXL2 (ASXL transcriptional regulator 2; minus strand). Cytogenetic location: 2p23.3.
Variant type: single nucleotide variant.
Coding change: c.2022T>G on transcript NM_018263.6 (MANE Select); coding-DNA position 2022, T replaced by G.
Protein change: p.Ala674=; no amino-acid change (alanine 674 retained).
Molecular consequence: synonymous variant.
Genome position (GRCh38, 1-based): chr2:25,744,315, A>C on the plus strand (T>G on the coding strand, the complement: ASXL2 is on the minus strand). VCF-style: chr2-25744315-A-C. GRCh37 (hg19) VCF-style: chr2-25967184-A-C.
Other names: c.1848T>G, p.Ala616= (NM_001369346.1); c.1242T>G, p.Ala414= (NM_001369347.1).
Identifiers: ClinVar variation 4873226 (VCV004873226.2).